The following is an entry in ClinVar:

NM_001457.4(FLNB):c.3469G>A (p.Asp1157Asn)

Gene: FLNB (filamin B; plus strand). Cytogenetic location: 3p14.3.
Variant type: single nucleotide variant.
Coding change: c.3469G>A on transcript NM_001457.4 (MANE Select); coding-DNA position 3469, G replaced by A.
Protein change: p.Asp1157Asn; replaces aspartic acid 1157 with asparagine.
Molecular consequence: missense variant.
Genome position (GRCh38, 1-based): chr3:58,123,435, G>A. VCF-style: chr3-58123435-G-A. GRCh37 (hg19) VCF-style: chr3-58109162-G-A.
Other names: c.3469G>A, p.Asp1157Asn (NM_001164317.2, NM_001164318.2, NM_001164319.2); short protein forms D1157N.
Identifiers: ClinVar variation 258106 (VCV000258106.33), dbSNP rs1131356, ClinGen allele CA2468419.

ClinVar aggregate classification (germline): Benign. Review status: criteria provided, multiple submitters, no conflicts (2 of 4 stars). 8 submissions from 8 submitters: Benign (8). Last evaluated 2026-02-04.

Conditions:
FLNB-Related Spectrum Disorders.

Allele frequency attached by ClinVar (database versions not stated): ESP Exome Variant Server 0.30063; gnomAD 0.33365 and 0.34704; TOPMed 0.36332; ExAC 0.37322; gnomAD exomes 0.37674; 1000 Genomes Project 30x 0.54341; 1000 Genomes Project 0.54613.
gnomAD v4.1: 483,210 of 1,611,670 alleles (30%); highest among the groups gnomAD compares: East Asian, 92%; 87,559 homozygotes.

Submissions (8):

Labcorp Genetics (formerly Invitae), Labcorp
Classification: Benign. Last evaluated: 2026-02-04. Review status: criteria provided, single submitter. Criteria: Invitae Variant Classification Sherloc (09022015). Collection method: clinical testing. Allele origin: germline.

ARUP Laboratories, Molecular Genetics and Genomics, ARUP Laboratories
Classification: Benign. Last evaluated: 2025-07-22. Review status: criteria provided, single submitter. Criteria: ARUP Molecular Germline Variant Investigation Process 2024. Collection method: clinical testing. Allele origin: germline.

Blueprint Genetics
Classification: Benign. Last evaluated: 2024-11-26. Review status: criteria provided, single submitter. Criteria: ACMG Guidelines, 2015. Collection method: clinical testing. Allele origin: germline.

Illumina Laboratory Services, Illumina
Classification: Benign for FLNB-Related Spectrum Disorders. Last evaluated: 2018-01-13. Review status: criteria provided, single submitter. Criteria: ICSL Variant Classification Criteria 13 December 2019. Collection method: clinical testing. Allele origin: germline.
Comment: This variant was observed in the ICSL laboratory as part of a predisposition screen in an ostensibly healthy population. It had not been previously curated by ICSL or reported in the Human Gene Mutation Database (HGMD: prior to June 1st, 2018), and was therefore a candidate for classification through an automated scoring system. Utilizing variant allele frequency, disease prevalence and penetrance estimates, and inheritance mode, an automated score was calculated to assess if this variant is too frequent to cause the disease. Based on the score and internal cut-off values, a variant classified as benign is not then subjected to further curation. The score for this variant resulted in a classification of benign for this disease.

Eurofins Ntd Llc (ga)
Classification: Benign. Last evaluated: 2016-04-18. Review status: criteria provided, single submitter. Criteria: EGL Classification Definitions 2015. Collection method: clinical testing. Allele origin: germline. Observed: 10 variant alleles, 7 heterozygotes, 3 homozygotes.

GeneDx
Classification: Benign. Last evaluated: 2016-03-29. Review status: criteria provided, single submitter. Criteria: GeneDx Variant Classification (06012015). Collection method: clinical testing. Allele origin: germline. Affected: yes.
Comment: This variant is considered likely benign or benign based on one or more of the following criteria: it is a conservative change, it occurs at a poorly conserved position in the protein, it is predicted to be benign by multiple in silico algorithms, and/or has population frequency not consistent with disease.

Breakthrough Genomics
Classification: Benign. Review status: criteria provided, single submitter. Criteria: ACMG Guidelines, 2015. Collection method: not provided. Allele origin: germline. Inheritance: Autosomal recessive inheritance. Affected: yes.

PreventionGenetics, part of Exact Sciences
Classification: Benign. Review status: criteria provided, single submitter. Criteria: ACMG Guidelines, 2015. Collection method: clinical testing. Allele origin: germline.